The following is an entry in ClinVar:

ClinVar aggregate classification (germline): Uncertain significance (1 of 4 stars; one submission).

Submission:

CeGaT Center for Human Genetics Tuebingen
Classification: Uncertain significance. Last evaluated: 2024-11-01. Review status: criteria provided, single submitter. Criteria: CeGaT Center For Human Genetics Tuebingen Variant Classification Criteria Version 2. Collection method: clinical testing. Allele origin: germline. Affected: yes. Observed: 1 variant allele.
Comment: ANGPT2: PM2, BP4

NM_001118887.2(ANGPT2):c.679A>G (p.Ile227Val)

Genes: ANGPT2 (angiopoietin 2; minus strand), MCPH1 (microcephalin 1; plus strand). Cytogenetic location: 8p23.1.
Variant type: single nucleotide variant.
Coding change: c.679A>G on transcript NM_001118887.2 (MANE Select); coding-DNA position 679, A replaced by G.
Protein change: p.Ile227Val; replaces isoleucine 227 with valine.
Molecular consequence: missense variant. On other transcripts: intron variant (6).
Genome position (GRCh38, 1-based): chr8:6,521,298, T>C on the plus strand (A>G on the coding strand, the complement: ANGPT2 is on the minus strand). VCF-style: chr8-6521298-T-C. GRCh37 (hg19) VCF-style: chr8-6378819-T-C.
Other names: c.523A>G, p.Ile175Val (NM_001118888.2, NM_001386335.1); c.679A>G, p.Ile227Val (NM_001147.3, NM_001386336.1, NM_001386337.1); c.2214+21369T>C (NM_001322042.2, NM_024596.5, NM_001363979.1 and 2 more transcripts); c.1935+66046T>C (NM_001363980.2); short protein forms I175V, I227V.
Identifiers: ClinVar variation 3389408 (VCV003389408.14).